The following is an entry in ClinVar:

NM_002210.5(ITGAV):c.2970G>T (p.Met990Ile)

Genes: FAM171B-AS1 (FAM171B and ITGAV antisense RNA 1; minus strand), ITGAV (integrin subunit alpha V; plus strand). Cytogenetic location: 2q32.1.
Variant type: single nucleotide variant.
Coding change: c.2970G>T on transcript NM_002210.5 (MANE Select); coding-DNA position 2970, G replaced by T.
Protein change: p.Met990Ile; replaces methionine 990 with isoleucine.
Molecular consequence: missense variant.
Genome position (GRCh38, 1-based): chr2:186,676,854, G>T. VCF-style: chr2-186676854-G-T. GRCh37 (hg19) VCF-style: chr2-187541581-G-T.
Other names: c.2832G>T, p.Met944Ile (NM_001144999.3); c.2862G>T, p.Met954Ile (NM_001145000.3); short protein forms M944I, M954I, M990I.
Identifiers: ClinVar variation 4040073 (VCV004040073.5).

ClinVar aggregate classification (germline): Uncertain significance. Review status: criteria provided, multiple submitters, no conflicts (2 of 4 stars). 2 submissions from 2 submitters: Uncertain significance (2). Last evaluated 2026-01-01.

gnomAD v4.1: 11 of 1,614,100 alleles (0.00068%); highest among the groups gnomAD compares: Admixed American, 0.018%; no homozygotes.

Submissions (2):

CeGaT Center for Human Genetics Tuebingen
Classification: Uncertain significance. Last evaluated: 2026-01-01. Review status: criteria provided, single submitter. Criteria: CeGaT Center For Human Genetics Tuebingen Variant Classification Criteria Version 2. Collection method: clinical testing. Allele origin: germline. Affected: yes. Observed: 1 variant allele.
Comment: ITGAV: PM2, PM3:Supporting

Ambry Genetics
Classification: Uncertain significance. Last evaluated: 2025-03-19. Review status: criteria provided, single submitter. Criteria: Ambry Variant Classification Scheme 2023. Collection method: clinical testing. Allele origin: germline.